The following is an entry in ClinVar:

ClinVar aggregate classification (germline): Uncertain significance. Review status: criteria provided, multiple submitters, no conflicts (2 of 4 stars). 2 submissions from 2 submitters: Uncertain significance (2). Last evaluated 2025-03-04.

gnomAD v4.1: 1 of 1,614,106 alleles (0.000062%); highest among the groups gnomAD compares: Non-Finnish European, 0.000085%; no homozygotes.

Submissions (2):

Center for Genomic Medicine, Rigshospitalet, Copenhagen University Hospital
Classification: Uncertain significance. Last evaluated: 2025-03-04. Review status: criteria provided, single submitter. Criteria: ACMG Guidelines, 2015. Collection method: clinical testing. Allele origin: germline.

GeneDx
Classification: Uncertain significance. Last evaluated: 2019-04-18. Review status: criteria provided, single submitter. Criteria: GeneDx Variant Classification Process June 2021. Collection method: clinical testing. Allele origin: germline. Affected: yes.
Comment: Has not been previously published as pathogenic or benign to our knowledge; This variant is associated with the following publications: (PMID: 32601921)

NM_000179.3(MSH6):c.3217C>G (p.Pro1073Ala)

Gene: MSH6 (mutS homolog 6; plus strand). Cytogenetic location: 2p16.3.
Variant type: single nucleotide variant.
Coding change: c.3217C>G on transcript NM_000179.3 (MANE Select); coding-DNA position 3217, C replaced by G.
Protein change: p.Pro1073Ala; replaces proline 1073 with alanine.
Molecular consequence: missense variant.
Genome position (GRCh38, 1-based): chr2:47,803,464, C>G. VCF-style: chr2-47803464-C-G. GRCh37 (hg19) VCF-style: chr2-48030603-C-G.
Other names: c.2311C>G, p.Pro771Ala (NM_001281493.2, NM_001281494.2); c.2827C>G, p.Pro943Ala (NM_001281492.2); short protein forms P1073A, P771A, P943A.
Identifiers: ClinVar variation 1315710 (VCV001315710.4), dbSNP rs142254875, ClinGen allele CA070397.